The following is an entry in ClinVar:

ClinVar aggregate classification (germline): Uncertain significance (1 of 4 stars; one submission).

Submission:

Labcorp Genetics (formerly Invitae), Labcorp
Classification: Uncertain significance. Last evaluated: 2022-05-05. Review status: criteria provided, single submitter. Criteria: Invitae Variant Classification Sherloc (09022015). Collection method: clinical testing. Allele origin: germline.
Comment: This variant occurs in the SNORD118 gene, which encodes an RNA molecule that does not result in a protein product. This variant is present in population databases (rs747057554, gnomAD 0.01%). This variant has not been reported in the literature in individuals affected with SNORD118-related conditions. Experimental studies and prediction algorithms are not available or were not evaluated, and the functional significance of this variant is currently unknown. In summary, the available evidence is currently insufficient to determine the role of this variant in disease. Therefore, it has been classified as a Variant of Uncertain Significance.

NR_033294.2(SNORD118):n.22dup

Genes: SNORD118 (small nucleolar RNA, C/D box 118; minus strand), TMEM107 (transmembrane protein 107; minus strand). Cytogenetic location: 17p13.1.
Variant type: Duplication.
Molecular consequence: non-coding transcript variant (on NR_033294.2). On other transcripts: 3 prime UTR variant (5).
Genome position: GRCh38 VCF-style: chr17-8173566-T-TA. GRCh37 (hg19) VCF-style: chr17-8076884-T-TA.
Other names: c.*636dup (NM_001351278.2, NM_001351279.2, NM_001351280.2 and 2 more transcripts).
Identifiers: ClinVar variation 1938479 (VCV001938479.2), dbSNP rs747057554, ClinGen allele CA8370805.